The following is an entry in ClinVar:

ClinVar aggregate classification (germline): Uncertain significance (1 of 4 stars; one submission).

Conditions:
Neurofibromatosis, type 1 (NF1). Also called: VON RECKLINGHAUSEN DISEASE; NEUROFIBROMATOSIS, TYPE I, SOMATIC; Neurofibromatosis, type I; Peripheral type neurofibromatosis. Identifiers: Orphanet 636, MedGen C0027831, MONDO:0018975, OMIM 162200. Disease mechanism: loss of function.

Submission:

Labcorp Genetics (formerly Invitae), Labcorp
Classification: Uncertain significance for Neurofibromatosis, type 1. Last evaluated: 2022-09-30. Review status: criteria provided, single submitter. Criteria: Invitae Variant Classification Sherloc (09022015). Collection method: clinical testing. Allele origin: germline.
Comment: This variant disrupts the c.6642-3C nucleotide in the NF1 gene. Other variant(s) that disrupt this nucleotide have been determined to be pathogenic (PMID: 25074460, 31730495, 32126153). This suggests that this nucleotide is clinically significant, and that variants that disrupt this position are likely to be disease-causing. In summary, the available evidence is currently insufficient to determine the role of this variant in disease. Therefore, it has been classified as a Variant of Uncertain Significance. Variants that disrupt the consensus splice site are a relatively common cause of aberrant splicing (PMID: 17576681, 9536098). Algorithms developed to predict the effect of sequence changes on RNA splicing suggest that this variant may disrupt the consensus splice site. This variant has not been reported in the literature in individuals affected with NF1-related conditions. This variant is not present in population databases (gnomAD no frequency). This sequence change falls in intron 43 of the NF1 gene. It does not directly change the encoded amino acid sequence of the NF1 protein. It affects a nucleotide within the consensus splice site.

Literature cited by the submitters: PubMed 25074460; PubMed 31730495; PubMed 32126153; PubMed 17576681; PubMed 9536098.

NM_001042492.3(NF1):c.6705-3C>T

Gene: NF1 (neurofibromin 1; plus strand). Cytogenetic location: 17q11.2.
Variant type: single nucleotide variant.
Coding change: c.6705-3C>T on transcript NM_001042492.3 (MANE Select); 3 bases into the intron before coding-DNA position 6705, C replaced by T.
Molecular consequence: intron variant.
Genome position (GRCh38, 1-based): chr17:31,338,022, C>T. VCF-style: chr17-31338022-C-T. GRCh37 (hg19) VCF-style: chr17-29665040-C-T.
Other names: c.6642-3C>T (NM_000267.4).
Identifiers: ClinVar variation 2033469 (VCV002033469.4), dbSNP rs1131691079, ClinGen allele CA2580093133.